The following is an entry in ClinVar:

NM_138713.4(NFAT5):c.2258C>T (p.Thr753Ile)

Gene: NFAT5 (nuclear factor of activated T cells 5; plus strand). Cytogenetic location: 16q22.1.
Variant type: single nucleotide variant.
Coding change: c.2258C>T on transcript NM_138713.4 (MANE Select); coding-DNA position 2258, C replaced by T.
Protein change: p.Thr753Ile; replaces threonine 753 with isoleucine.
Molecular consequence: missense variant.
Genome position (GRCh38, 1-based): chr16:69,692,083, C>T. VCF-style: chr16-69692083-C-T. GRCh37 (hg19) VCF-style: chr16-69725986-C-T.
Other names: c.2255C>T, p.Thr752Ile (NM_001113178.3); c.1583C>T, p.Thr528Ile (NM_001367709.1); c.2204C>T, p.Thr735Ile (NM_006599.4); c.1976C>T, p.Thr659Ile (NM_138714.4, NM_173214.3, NM_173215.3); short protein forms T528I, T659I, T735I, T752I, T753I.
Identifiers: ClinVar variation 1003578 (VCV001003578.6), dbSNP rs377471401, ClinGen allele CA8135740.
Genomic context (GRCh38, chr16:69,692,083, plus strand): 5'-AAACTCAGTCTAGAGAGATATTACAGTCAGATGGTACAGTGGTTAATTTGTCACAACTGA[C>T]TGAGGCATCACAACAACAGCAGCAGTCACCACTACAAGAACAAGCACAGACTTTACAGCA-3'
Protein context (NP_619727.2, residues 743-763): DGTVVNLSQL[Thr753Ile]EASQQQQQSP

ClinVar aggregate classification (germline): Uncertain significance (1 of 4 stars; one submission).

Conditions:
Immunodeficiency. Identifiers: MedGen C0021051, MONDO:0021094, HP:0002721.

Allele frequency attached by ClinVar (database versions not stated): ExAC 0.00001; gnomAD 0.00002; TOPMed 0.00003; ESP Exome Variant Server 0.00008.

Submission:

Labcorp Genetics (formerly Invitae), Labcorp
Classification: Uncertain significance for Immunodeficiency. Last evaluated: 2025-11-23. Review status: criteria provided, single submitter. Criteria: Invitae Variant Classification Sherloc (09022015). Collection method: clinical testing. Allele origin: germline.
Comment: This sequence change replaces threonine, which is neutral and polar, with isoleucine, which is neutral and non-polar, at codon 659 of the NFAT5 protein (p.Thr659Ile). This variant is present in population databases (rs377471401, gnomAD 0.002%). This variant has not been reported in the literature in individuals affected with NFAT5-related conditions. ClinVar contains an entry for this variant (Variation ID: 1003578). An algorithm developed to predict the effect of missense changes on protein structure and function (PolyPhen-2) suggests that this variant is likely to be disruptive. In summary, the available evidence is currently insufficient to determine the role of this variant in disease. Therefore, it has been classified as a Variant of Uncertain Significance.